The following is an entry in ClinVar:

NM_138348.6(OTULIN):c.468+1G>C

Gene: OTULIN (OTU deubiquitinase with linear linkage specificity; plus strand). Cytogenetic location: 5p15.2.
Variant type: single nucleotide variant.
Coding change: c.468+1G>C on transcript NM_138348.6 (MANE Select); the canonical splice donor site of the intron after coding-DNA position 468, G replaced by C.
Molecular consequence: splice donor variant.
Genome position (GRCh38, 1-based): chr5:14,681,608, G>C. VCF-style: chr5-14681608-G-C. GRCh37 (hg19) VCF-style: chr5-14681717-G-C.
Identifiers: ClinVar variation 4071519 (VCV004071519.1).

ClinVar aggregate classification (germline): Likely pathogenic (1 of 4 stars; one submission).

Conditions:
Autoinflammation, panniculitis, and dermatosis syndrome, autosomal recessive (AIPDSB). Also called: OTULIN-RELATED AUTOINFLAMMATORY SYNDROME; OTULIPENIA. Identifiers: Orphanet 500062, MedGen C4310614, MONDO:0014912, OMIM 617099.

Submission:

Next Generation Genetic Polyclinic
Classification: Likely pathogenic for Autoinflammation, panniculitis, and dermatosis syndrome, autosomal recessive. Last evaluated: 2025-03-22. Review status: criteria provided, single submitter. Criteria: ACMG Guidelines, 2015. Collection method: curation. Allele origin: germline. Affected: yes. Observed: 1 variant allele.
Comment: Canonical splice site variant in OTULIN (c.468+1G>C), expected to disrupt normal splicing at intron 4 donor site. Loss-of-function variants in OTULIN are known to cause autoinflammation with periodic fever and immunodeficiency. The variant is absent from population databases (PM2), not previously reported (novel), and observed in a homozygous state. Classified as Likely Pathogenic. Meets ACMG criteria: PVS1, PM2.